The following is an entry in ClinVar:

ClinVar aggregate classification (germline): Likely pathogenic (1 of 4 stars; one submission).

Conditions:
Leber congenital amaurosis 10 (LCA10). Identifiers: Orphanet 65, MedGen C1857821, MONDO:0012723, OMIM 611755.
Meckel syndrome, type 4 (MKS4). Also called: MECKEL-GRUBER SYNDROME, TYPE 4. Identifiers: Orphanet 564, MedGen C1970161, MONDO:0012626, OMIM 611134.
Bardet-Biedl syndrome 14 (BBS14). Identifiers: Orphanet 110, MedGen C2673874, MONDO:0014442, OMIM 615991.
Senior-Loken syndrome 6 (SLSN6). Identifiers: Orphanet 3156, MedGen C1857779, MONDO:0012433, OMIM 610189.
Joubert syndrome 5 (JBTS5). Identifiers: Orphanet 2318, MedGen C1857780, MONDO:0012432, OMIM 610188.

Submission:

First Genomix Gene Laboratory, Genetic Diagnostics Department
Classification: Likely pathogenic for Bardet-Biedl syndrome 14; Joubert syndrome 5; Meckel syndrome, type 4; Senior-Loken syndrome 6; Leber congenital amaurosis 10. Last evaluated: 2025-09-17. Review status: criteria provided, single submitter. Criteria: ACMG Guidelines, 2015. Collection method: clinical testing. Allele origin: germline. Inheritance: Autosomal recessive inheritance. Affected: no. Observed: 1 variant allele.

NM_025114.4(CEP290):c.4705-2A>G

Gene: CEP290 (centrosomal protein 290; minus strand). Cytogenetic location: 12q21.32.
Variant type: single nucleotide variant.
Coding change: c.4705-2A>G on transcript NM_025114.4 (MANE Select); the canonical splice acceptor site of the intron before coding-DNA position 4705, A replaced by G.
Molecular consequence: splice acceptor variant.
Genome position (GRCh38, 1-based): chr12:88,083,956, T>C on the plus strand (A>G on the coding strand, the complement: CEP290 is on the minus strand). VCF-style: chr12-88083956-T-C. GRCh37 (hg19) VCF-style: chr12-88477733-T-C.
Identifiers: ClinVar variation 4850357 (VCV004850357.1).